The following is an entry in ClinVar:

NM_005559.4(LAMA1):c.8997C>T (p.Gly2999=)

Gene: LAMA1 (laminin subunit alpha 1; minus strand). Cytogenetic location: 18p11.31.
Variant type: single nucleotide variant.
Coding change: c.8997C>T on transcript NM_005559.4 (MANE Select); coding-DNA position 8997, C replaced by T.
Protein change: p.Gly2999=; no amino-acid change (glycine 2999 retained).
Molecular consequence: synonymous variant.
Genome position (GRCh38, 1-based): chr18:6,943,250, G>A on the plus strand (C>T on the coding strand, the complement: LAMA1 is on the minus strand). VCF-style: chr18-6943250-G-A. GRCh37 (hg19) VCF-style: chr18-6943249-G-A.
Identifiers: ClinVar variation 1560544 (VCV001560544.31), dbSNP rs372452225, ClinGen allele CA8880286.

ClinVar aggregate classification (germline): Likely benign. Review status: criteria provided, multiple submitters, no conflicts (2 of 4 stars). 3 submissions from 3 submitters: Likely benign (3). Last evaluated 2024-05-31.

Allele frequency attached by ClinVar (database versions not stated): gnomAD exomes 0.00006; ExAC 0.00008; ESP Exome Variant Server 0.00008; gnomAD 0.00008 and 0.00009; TOPMed 0.00008.
gnomAD v4.1: 97 of 1,614,034 alleles (0.006%); highest among the groups gnomAD compares: Middle Eastern, 0.049%; 2 homozygotes.

Submissions (3):

Blueprint Genetics
Classification: Likely benign. Last evaluated: 2024-05-31. Review status: criteria provided, single submitter. Criteria: ACMG Guidelines, 2015. Collection method: clinical testing. Allele origin: germline.

Labcorp Genetics (formerly Invitae), Labcorp
Classification: Likely benign. Last evaluated: 2024-03-15. Review status: criteria provided, single submitter. Criteria: Invitae Variant Classification Sherloc (09022015). Collection method: clinical testing. Allele origin: germline.

CeGaT Center for Human Genetics Tuebingen
Classification: Likely benign. Last evaluated: 2023-11-01. Review status: criteria provided, single submitter. Criteria: CeGaT Center For Human Genetics Tuebingen Variant Classification Criteria Version 2. Collection method: clinical testing. Allele origin: germline. Affected: yes. Observed: 1 variant allele.
Comment: LAMA1: BP4, BP7